The following is an entry in ClinVar:

NM_001267550.2(TTN):c.10C>T (p.Gln4Ter)

Gene: TTN (titin; minus strand). Cytogenetic location: 2q31.2.
Variant type: single nucleotide variant.
Coding change: c.10C>T on transcript NM_001267550.2 (MANE Select); coding-DNA position 10, C replaced by T.
Protein change: p.Gln4Ter; replaces glutamine 4 with a stop codon.
Molecular consequence: nonsense.
Genome position (GRCh38, 1-based): chr2:178,804,633, G>A on the plus strand (C>T on the coding strand, the complement: TTN is on the minus strand). VCF-style: chr2-178804633-G-A. GRCh37 (hg19) VCF-style: chr2-179669360-G-A.
Other names: c.10C>T, p.Gln4Ter (NM_001256850.1, NM_003319.4, NM_133378.4 and 3 more transcripts); short protein forms Q4*.
Identifiers: ClinVar variation 1970532 (VCV001970532.5), dbSNP rs2534633050, ClinGen allele CA349534004.

ClinVar aggregate classification (germline): Likely pathogenic (1 of 4 stars; one submission).

Conditions:
Dilated cardiomyopathy 1G (CMD1G). Identifiers: Orphanet 154, MedGen C1858763, MONDO:0011400, OMIM 604145.
Autosomal recessive limb-girdle muscular dystrophy type 2J (LGMDR10). Also called: Limb-girdle muscular dystrophy, type 2J; MUSCULAR DYSTROPHY, LIMB-GIRDLE, AUTOSOMAL RECESSIVE 10. Identifiers: Orphanet 140922, MedGen C1837342, MONDO:0012127, OMIM 608807.

Submission:

Labcorp Genetics (formerly Invitae), Labcorp
Classification: Likely pathogenic for Dilated cardiomyopathy 1G; Autosomal recessive limb-girdle muscular dystrophy type 2J. Last evaluated: 2024-10-17. Review status: criteria provided, single submitter. Criteria: Invitae Variant Classification Sherloc (09022015). Collection method: clinical testing. Allele origin: germline.
Comment: This sequence change creates a premature translational stop signal (p.Gln4*) in the TTN gene. While this is not anticipated to result in nonsense mediated decay, it is expected to create a truncated TTN protein. This variant is not present in population databases (gnomAD no frequency). This variant has not been reported in the literature in individuals affected with TTN-related conditions. ClinVar contains an entry for this variant (Variation ID: 1970532). This variant is located in the Z band of TTN (PMID: 25589632). Truncating variants in this region have been reported in individuals affected with autosomal recessive centronuclear myopathy (PMID: 33449170, internal data). Truncating variants in this region have also been identified in individuals affected with autosomal dominant dilated cardiomyopathy and/or cardio-related conditions (PMID: 27869827, 32964742, internal data). In summary, the currently available evidence indicates that the variant is pathogenic, but additional data are needed to prove that conclusively. Therefore, this variant has been classified as Likely Pathogenic.

Literature cited by the submitters: PubMed 25589632; PubMed 33449170; PubMed 27869827; PubMed 32964742.